The following is an entry in ClinVar:

ClinVar aggregate classification (germline): Likely benign. Review status: criteria provided, multiple submitters, no conflicts (2 of 4 stars). 2 submissions from 2 submitters: Likely benign (2). Last evaluated 2018-06-15.

Allele frequency attached by ClinVar (database versions not stated): 1000 Genomes Project 0.00779; 1000 Genomes Project 30x 0.00781; gnomAD 0.01511 and 0.01556; TOPMed 0.01540.
gnomAD v4.1: 24,545 of 1,185,766 alleles (2.1%); highest among the groups gnomAD compares: Non-Finnish European, 2.6%; 341 homozygotes.

Submissions (2):

GeneDx
Classification: Likely benign. Last evaluated: 2018-06-15. Review status: criteria provided, single submitter. Criteria: GeneDx Variant Classification (06012015). Collection method: clinical testing. Allele origin: germline. Affected: yes.
Comment: This variant is considered likely benign or benign based on one or more of the following criteria: it is a conservative change, it occurs at a poorly conserved position in the protein, it is predicted to be benign by multiple in silico algorithms, and/or has population frequency not consistent with disease.

Breakthrough Genomics
Classification: Likely benign. Review status: criteria provided, single submitter. Criteria: ACMG Guidelines, 2015. Collection method: not provided. Allele origin: germline. Inheritance: Autosomal recessive inheritance. Affected: yes.

NM_006231.4(POLE):c.801+62C>T

Gene: POLE (DNA polymerase epsilon, catalytic subunit; minus strand). Cytogenetic location: 12q24.33.
Variant type: single nucleotide variant.
Coding change: c.801+62C>T on transcript NM_006231.4 (MANE Select); 62 bases into the intron after coding-DNA position 801, C replaced by T.
Molecular consequence: intron variant.
Genome position (GRCh38, 1-based): chr12:132,677,301, G>A on the plus strand (C>T on the coding strand, the complement: POLE is on the minus strand). VCF-style: chr12-132677301-G-A. GRCh37 (hg19) VCF-style: chr12-133253887-G-A.
Identifiers: ClinVar variation 676536 (VCV000676536.2), dbSNP rs112156123, ClinGen allele CA13751165.
Genomic context (GRCh38, chr12:132,677,301, plus strand): 5'-TAAAGTATTTGGGGGAAAAGCAGCAAACATATCTTTGAGTCAGATTCACTCTCCAGCACT[G>A]AAGAATATTCTCTCCAGAAAACTGGAAATTTTAGGATGAAGGTAACACAAGCAAAACTTA-3'